The following is an entry in ClinVar:

NM_001283009.2(RTEL1):c.1409A>G (p.Gln470Arg)

Genes: RTEL1 (regulator of telomere elongation helicase 1; plus strand), RTEL1-TNFRSF6B (RTEL1-TNFRSF6B readthrough (NMD candidate); plus strand). Cytogenetic location: 20q13.33.
Variant type: single nucleotide variant.
Coding change: c.1409A>G on transcript NM_001283009.2 (MANE Select); coding-DNA position 1409, A replaced by G.
Protein change: p.Gln470Arg; replaces glutamine 470 with arginine.
Molecular consequence: missense variant. On other transcripts: non-coding transcript variant (1).
Genome position (GRCh38, 1-based): chr20:63,687,698, A>G. VCF-style: chr20-63687698-A-G. GRCh37 (hg19) VCF-style: chr20-62319051-A-G.
Other names: c.740A>G, p.Gln247Arg (NM_001283010.1); c.1409A>G, p.Gln470Arg (NM_016434.4); c.1481A>G, p.Gln494Arg (NM_032957.5); short protein forms Q247R, Q494R, Q470R.
Identifiers: ClinVar variation 4157657 (VCV004157657.1).

ClinVar aggregate classification (germline): Uncertain significance (1 of 4 stars; one submission).

Conditions:
Inborn genetic diseases. Identifiers: MedGen C0950123, MeSH D030342.

gnomAD v4.1: 1 of 1,606,702 alleles (0.000062%); highest among the groups gnomAD compares: Non-Finnish European, 0.000085%; no homozygotes.

Submission:

Ambry Genetics
Classification: Uncertain significance for Inborn genetic diseases. Last evaluated: 2025-08-12. Review status: criteria provided, single submitter. Criteria: Ambry Variant Classification Scheme 2023. Collection method: clinical testing. Allele origin: germline.
Comment: The p.Q470R variant (also known as c.1409A>G), located in coding exon 16 of the RTEL1 gene, results from an A to G substitution at nucleotide position 1409. The glutamine at codon 470 is replaced by arginine, an amino acid with highly similar properties. This amino acid position is conserved. In addition, this alteration is predicted to be tolerated by in silico analysis. Based on the available evidence, the clinical significance of this variant remains unclear.